The following is an entry in ClinVar:

NC_000016.9:g.(?_2122222)_(2127477_?)del

Gene: TSC2 (TSC complex subunit 2; plus strand). Cytogenetic location: 16p13.3.
Variant type: Deletion.
Identifiers: ClinVar variation 467840 (VCV000467840.8).

ClinVar aggregate classification (germline): Pathogenic (1 of 4 stars; one submission).

Conditions:
Tuberous sclerosis 2 (TSC2). Identifiers: Orphanet 805, MedGen C1860707, MONDO:0013199, OMIM 613254.

Submission:

Labcorp Genetics (formerly Invitae), Labcorp
Classification: Pathogenic for Tuberous sclerosis 2. Last evaluated: 2017-05-26. Review status: criteria provided, single submitter. Criteria: Invitae Variant Classification Sherloc (09022015). Collection method: clinical testing. Allele origin: germline.
Comment: Different truncations downstream of this variant (p.Ser1761Leufs*60 and p.Glu1756Argfs*70) have been determined to be pathogenic (Invitae). This suggests that deletion of this region of the TSC2 protein is causative of disease. For these reasons, this variant has been classified as Pathogenic. This variant has not been reported in the literature in individuals affected with TSC2-related disease. This variant is a gross deletion of the genomic region encompassing exons 17-42 of the TSC2 gene. The 5' boundary is likely confined to intron 16. The 3' end of this event is unknown as it extends through the termination codon beyond the assayed region for this gene and may encompass additional genes. While this deletion is not anticipated to result in nonsense mediated decay, it is expected to create a truncated protein product or disrupt mRNA translation.